The following is an entry in ClinVar:

ClinVar aggregate classification (germline): Uncertain significance (1 of 4 stars; one submission).

Conditions:
Ehlers-Danlos syndrome, type 4 (EDSVASC). Also called: Ehlers-Danlos syndrome vascular type; Ehlers Danlos syndrome, ecchymotic type; Ehlers Danlos syndrome, arterial type; Ehlers Danlos syndrome, Sack-Barabas type; Ehlers-Danlos Syndrome Type IV. Identifiers: Orphanet 286, MedGen C0268338, MONDO:0017314, OMIM 130050.

Submission:

Labcorp Genetics (formerly Invitae), Labcorp
Classification: Uncertain significance for Ehlers-Danlos syndrome, type 4. Last evaluated: 2018-08-01. Review status: criteria provided, single submitter. Criteria: Invitae Variant Classification Sherloc (09022015). Collection method: clinical testing. Allele origin: germline.
Comment: In summary, the available evidence is currently insufficient to determine the role of this variant in disease. Therefore, it has been classified as a Variant of Uncertain Significance. This sequence change falls in intron 26 of the COL3A1 gene. It does not directly change the encoded amino acid sequence of the COL3A1 protein, but it affects a nucleotide within the consensus splice site of the intron. This variant is not present in population databases (ExAC no frequency). This variant has not been reported in the literature in individuals with COL3A1-related disease. Nucleotide substitutions within the consensus splice site are a relatively common cause of aberrant splicing (PMID: 17576681, 9536098). Algorithms developed to predict the effect of sequence changes on RNA splicing suggest that this variant may disrupt the consensus splice site, but this prediction has not been confirmed by published transcriptional studies.

Literature cited by the submitters: PubMed 17576681; PubMed 9536098.

NM_000090.4(COL3A1):c.1869+3A>C

Gene: COL3A1 (collagen type III alpha 1 chain; plus strand). Cytogenetic location: 2q32.2.
Variant type: single nucleotide variant.
Coding change: c.1869+3A>C on transcript NM_000090.4 (MANE Select); 3 bases into the intron after coding-DNA position 1869, A replaced by C.
Molecular consequence: intron variant.
Genome position (GRCh38, 1-based): chr2:188,997,392, A>C. VCF-style: chr2-188997392-A-C. GRCh37 (hg19) VCF-style: chr2-189862118-A-C.
Identifiers: ClinVar variation 642246 (VCV000642246.7), dbSNP rs1576467168, ClinGen allele CA915942284.